The following is an entry in ClinVar:

NM_000540.3(RYR1):c.5183C>T (p.Ser1728Phe)

Gene: RYR1 (ryanodine receptor 1; plus strand). Cytogenetic location: 19q13.2.
Variant type: single nucleotide variant.
Coding change: c.5183C>T on transcript NM_000540.3 (MANE Select); coding-DNA position 5183, C replaced by T.
Protein change: p.Ser1728Phe; replaces serine 1728 with phenylalanine.
Molecular consequence: missense variant.
Genome position (GRCh38, 1-based): chr19:38,485,838, C>T. VCF-style: chr19-38485838-C-T. GRCh37 (hg19) VCF-style: chr19-38976478-C-T.
Other names: NM_000540.2(RYR1):c.5183C>T; c.5183C>T, p.Ser1728Phe (NM_001042723.2); short protein forms S1728F.
Identifiers: ClinVar variation 133144 (VCV000133144.42), dbSNP rs193922781, ClinGen allele CA024494.

ClinVar aggregate classification (germline): Likely pathogenic. Review status: reviewed by expert panel (3 of 4 stars). 20 submissions from 20 submitters: Likely pathogenic (1). 19 of the submissions do not count toward it. Last evaluated 2025-08-01.

Conditions:
RYR1-related disorder. Also called: RYR1-related disorders; RYR1-related condition. Identifiers: MedGen CN239331.
Central core myopathy (CMYO1A). Also called: CONGENITAL MYOPATHY 1A, AUTOSOMAL DOMINANT, WITH SUSCEPTIBILITY TO MALIGNANT HYPERTHERMIA; Central core disease; Myopathy, central fibrillar. Identifiers: Orphanet 597, MedGen C5830701, MONDO:0007294, OMIM 117000.
Malignant hyperthermia, susceptibility to, 1 (MHS1). Also called: Anesthesia related hyperthermia; Malignant hyperpyrexia; Fulminating hyperpyrexia; Pharmacogenic myopathy; Malignant hyperthermia suceptibility 1; RYR1-Related Malignant Hyperthermia Susceptibility. Identifiers: Orphanet 423, MedGen C2930980, MONDO:0007783, OMIM 145600.
King Denborough syndrome (KDS). Identifiers: MedGen C1840365, MONDO:0020485, OMIM 619542.
Congenital multicore myopathy with external ophthalmoplegia (CMYO1B). Also called: Minicore myopathy with external ophthalmoplegia; MULTIMINICORE DISEASE WITH EXTERNAL OPHTHALMOPLEGIA; MULTICORE MYOPATHY; Congenital myopathy 1B, autosomal recessive; Minicore myopathy. Identifiers: Orphanet 598, Orphanet 98905, MedGen C1850674, MONDO:0009712, OMIM 255320, HP:0003789.
Congenital myopathy with fiber type disproportion. Also called: Congenital fiber-type disproportion myopathy; Congenital fiber-type disproportion. Identifiers: Orphanet 2020, MedGen C0546264, MONDO:0009711. Inheritance: all.
Acute rhabdomyolysis. Identifiers: MedGen C3807306, HP:0008942.
Inborn genetic diseases. Identifiers: MedGen C0950123, MeSH D030342.
Malignant hyperthermia of anesthesia. Also called: Anesthesic-triggered malignant hyperthermia. Identifiers: Orphanet 423, MedGen C0024591, MONDO:0018493, HP:0034733.

Allele frequency attached by ClinVar (database versions not stated): gnomAD 0.00001; TOPMed 0.00002; gnomAD exomes 0.00004 and below 0.00001; ESP Exome Variant Server 0.00008.
gnomAD v4.1: 58 of 1,613,708 alleles (0.0036%); highest among the groups gnomAD compares: Non-Finnish European, 0.0047%; no homozygotes.

Submissions 1 to 7 of 20:

ClinGen Malignant Hyperthermia Susceptibility Variant Curation Expert Panel, ClinGen
Classification: Likely pathogenic for Malignant hyperthermia, susceptibility to, 1. Last evaluated: 2025-08-01. Review status: reviewed by expert panel. Criteria: ClinGen MHS ACMG Specifications V2. Collection method: curation. Allele origin: germline. Inheritance: Autosomal dominant inheritance.
Comment: This pathogenicity assessment is relevant only for malignant hyperthermia susceptibility (MHS) inherited in an autosomal dominant pattern. Variants in RYR1 can also cause other myopathies inherited in an autosomal dominant pattern or in an autosomal recessive pattern. Some of these disorders may predispose individuals to malignant hyperthermia. RYR1 variants may also contribute to a malignant hyperthermia reaction in combination with other genetic and non-genetic factors and the clinician needs to consider such factors in making management decisions. This sequence variant predicts a substitution of Serine with Phenylalanine at codon 1728 of the RYR1 protein, p.(Ser1728Phe). The maximum allele frequency for this variant among the six major gnomAD populations is AMR: MAF 0.000029, a frequency consistent with pathogenicity for MHS. This variant has been reported in nine unrelated individuals who have a personal or family history of a malignant hyperthermia reaction, nine of these individuals had a positive in vitro contracture test (IVCT) or caffeine halothane contracture test (CHCT) result (if the proband was unavailable for testing, a positive diagnostic test result in a mutation-positive relative was counted), PS4 (PMID:30236257; PMID:15731587). This variant segregates with MHS in five families, PP1_Strong (PMID:30236257). No functional studies were identified for this variant. This variant does not reside in a hotspot for pathogenic variants that contribute to MHS. A REVEL score <0.5 supports a benign status for this variant, BP4. Based on using Bayes to combine criteria this variant is assessed as Likely Pathogenic, (PMID: 29300386). Criteria implemented: PS4, PP1_Strong, BP4.

Clinical Genomics Laboratory, Washington University in St. Louis
Classification: Likely pathogenic for Malignant hyperthermia, susceptibility to, 1. Last evaluated: 2026-03-22. Review status: criteria provided, single submitter. Criteria: ACMG Guidelines, 2015. Collection method: clinical testing. Allele origin: germline. Affected: yes. Not counted in ClinVar's aggregate classification.
Comment: The RYR1 c.5183C>T (p.Ser1728Phe) variant has been reported in multiple individuals affected with malignant hyperthermia (MH) and is reported to segregate with disease in six individuals from eight families (Carpenter D et al., PMID: 19648156; Miller DM et al., PMID: 30236257; Robinson R et al., PMID: 16917943; Sambuughin N et al., PMID: 15731587). This variant is only observed in 1/246,040 alleles in the general population (gnomAD v2.1.1), indicating it is not a common variant. In vitro contracture tests show this variant may be associated with a weaker MH phenotype (Carpenter D et al., PMID: 19648156). Computational predictors are uncertain as to the impact of this variant on RYR1 function. This variant has been classified in the ClinVar database by an expert panel as likely pathogenic. Based on available information and the ClinGen Malignant Hyperthermia Susceptibility Expert Panel Specifications to the ACMG/AMP Variant Interpretation Guidelines for RYR1 Version 2, this variant is classified as likely pathogenic.

Variantyx, Inc.
Classification: Likely pathogenic for Malignant hyperthermia, susceptibility to, 1. Last evaluated: 2025-12-12. Review status: criteria provided, single submitter. Criteria: Variantyx Assertion Criteria 2022. Collection method: clinical testing. Allele origin: germline. Inheritance: Autosomal dominant inheritance. Affected: yes. Not counted in ClinVar's aggregate classification.
Comment: This is a nonsynonymous variant in the RYR1 gene (OMIM: 180901). Pathogenic variants in this gene have been associated with autosomal dominant susceptibility to malignant hyperthermia 1. This variant has been reported in several unrelated affected individuals (PMID: 30236257, 15731587) (PS4) and it has been observed to segregate with disease in at least six individuals from five families (PMID: 30236257) (PP1_Moderate). Multiple computational algorithms predict no functional impact for this variant (REVEL score: 0.477) (BP4). This variant has a 0.0047% maximum allele frequency in non-founder control populations. Based on the current evidence, this variant is classified as likely pathogenic for autosomal dominant susceptibility to malignant hyperthermia 1.

GeneDx
Classification: Likely pathogenic. Last evaluated: 2025-11-14. Review status: criteria provided, single submitter. Criteria: GeneDx Variant Classification Process June 2021. Collection method: clinical testing. Allele origin: germline. Affected: yes. Not counted in ClinVar's aggregate classification.
Comment: Reported in multiple affected individuals from two families with MH; the S1728F variant was associated with a weaker IVCT phenotype compared to other known pathogenic variants in RYR1, suggesting a lesser effect on channel function (PMID: 19648156); Not observed at significant frequency in large population cohorts (gnomAD); In silico analysis suggests that this missense variant does not alter protein structure/function; This variant is associated with the following publications: (PMID: 25637381, 15731587, 24195946, 20566647, 16917943, 30236257, 31559918, 30916033, 34930662, 37787745, 38295319, 38542460, 19648156)

NHS Central & South Genomic Laboratory Hub
Classification: Likely pathogenic for Acute Rhabdomyolysis. Last evaluated: 2025-10-21. Review status: criteria provided, single submitter. Criteria: ACMG Guidelines, 2015. Collection method: clinical testing. Allele origin: germline. Affected: yes. Not counted in ClinVar's aggregate classification.

Color Diagnostics, LLC DBA Color Health
Classification: Likely pathogenic for Malignant hyperthermia, susceptibility to, 1. Last evaluated: 2025-06-09. Review status: criteria provided, single submitter. Criteria: ACMG Guidelines, 2015. Collection method: clinical testing. Allele origin: germline. Not counted in ClinVar's aggregate classification.
Comment: This missense variant replaces serine with phenylalanine at codon 1728 of the RYR1 protein. Computational prediction suggests that this variant may not impact protein structure and function. To our knowledge, functional studies have not been reported for this variant. This variant has been reported in nine unrelated individuals affected with autosomal dominant malignant hyperthermia susceptibility (PMID: 15731587, 19648156, 30236257). This variant has shown to segregate with disease in six unrelated families (PMID: 30236257) and shown a discordant observation in one family where affected non-carrier and unaffected carrier were reported (PMID: 30236257). This variant has been identified in 1/246040 chromosomes in the general population by the Genome Aggregation Database (gnomAD). Based on the available evidence, this variant is classified as Likely Pathogenic.

Labcorp Genetics (formerly Invitae), Labcorp
Classification: Likely pathogenic for RYR1-related disorder. Last evaluated: 2025-03-23. Review status: criteria provided, single submitter. Criteria: Invitae Variant Classification Sherloc (09022015). Collection method: clinical testing. Allele origin: germline. Not counted in ClinVar's aggregate classification.
Comment: This sequence change replaces serine, which is neutral and polar, with phenylalanine, which is neutral and non-polar, at codon 1728 of the RYR1 protein (p.Ser1728Phe). This variant is present in population databases (rs193922781, gnomAD 0.003%). This missense change has been observed in individuals with malignant hyperthermia susceptibility (PMID: 16917943, 19648156, 30236257, 31559918). ClinVar contains an entry for this variant (Variation ID: 133144). Invitae Evidence Modeling of protein sequence and biophysical properties (such as structural, functional, and spatial information, amino acid conservation, physicochemical variation, residue mobility, and thermodynamic stability) indicates that this missense variant is not expected to disrupt RYR1 protein function with a negative predictive value of 80%. This variant disrupts the p.Ser1728 amino acid residue in RYR1. Other variant(s) that disrupt this residue have been observed in individuals with RYR1-related conditions (PMID: 15731587), which suggests that this may be a clinically significant amino acid residue. In summary, the currently available evidence indicates that the variant is pathogenic, but additional data are needed to prove that conclusively. Therefore, this variant has been classified as Likely Pathogenic.